The following is an entry in ClinVar:

ClinVar aggregate classification (germline): Uncertain significance (1 of 4 stars; one submission).

Allele frequency attached by ClinVar (database versions not stated): gnomAD exomes below 0.00001.
gnomAD v4.1: 1 of 1,614,150 alleles (0.000062%); highest among the groups gnomAD compares: South Asian, 0.0011%; no homozygotes.

Submission:

Labcorp Genetics (formerly Invitae), Labcorp
Classification: Uncertain significance. Last evaluated: 2025-01-01. Review status: criteria provided, single submitter. Criteria: Invitae Variant Classification Sherloc (09022015). Collection method: clinical testing. Allele origin: germline.
Comment: This sequence change replaces serine, which is neutral and polar, with tyrosine, which is neutral and polar, at codon 2702 of the KMT2A protein (p.Ser2702Tyr). This variant is not present in population databases (gnomAD no frequency). This variant has not been reported in the literature in individuals affected with KMT2A-related conditions. ClinVar contains an entry for this variant (Variation ID: 1718681). Invitae Evidence Modeling of protein sequence and biophysical properties (such as structural, functional, and spatial information, amino acid conservation, physicochemical variation, residue mobility, and thermodynamic stability) indicates that this missense variant is not expected to disrupt KMT2A protein function with a negative predictive value of 95%. In summary, the available evidence is currently insufficient to determine the role of this variant in disease. Therefore, it has been classified as a Variant of Uncertain Significance.

NM_001197104.2(KMT2A):c.8105C>A (p.Ser2702Tyr)

Gene: KMT2A (lysine methyltransferase 2A; plus strand). Cytogenetic location: 11q23.3.
Variant type: single nucleotide variant.
Coding change: c.8105C>A on transcript NM_001197104.2 (MANE Select); coding-DNA position 8105, C replaced by A.
Protein change: p.Ser2702Tyr; replaces serine 2702 with tyrosine.
Molecular consequence: missense variant.
Genome position (GRCh38, 1-based): chr11:118,503,997, C>A. VCF-style: chr11-118503997-C-A. GRCh37 (hg19) VCF-style: chr11-118374712-C-A.
Other names: c.8195C>A, p.Ser2732Tyr (NM_001412597.1); c.8096C>A, p.Ser2699Tyr (NM_005933.4); short protein forms S2699Y, S2702Y, S2732Y.
Identifiers: ClinVar variation 1718681 (VCV001718681.5), dbSNP rs2134396523, ClinGen allele CA382808681.
Genomic context (GRCh38, chr11:118,503,997, plus strand): 5'-TATACTATTACAACTTCACTAGAACAGTGATTTCTTCAGGTGGAGAGGAACGACTGGCAT[C>A]CCATAATTTATTTCGGGAGGAGGAACAGTGTGATCTTCCAAAAATCTCACAGTTGGATGG-3'
Protein context (NP_001184033.1, residues 2692-2712): ISSGGEERLA[Ser2702Tyr]HNLFREEEQC